The following is an entry in ClinVar:

NM_000104.4(CYP1B1):c.317C>A (p.Ala106Asp)

Gene: CYP1B1 (cytochrome P450 family 1 subfamily B member 1; minus strand). Cytogenetic location: 2p22.2.
Variant type: single nucleotide variant.
Coding change: c.317C>A on transcript NM_000104.4 (MANE Select); coding-DNA position 317, C replaced by A.
Protein change: p.Ala106Asp; replaces alanine 106 with aspartic acid.
Molecular consequence: missense variant.
Genome position (GRCh38, 1-based): chr2:38,075,072, G>T on the plus strand (C>A on the coding strand, the complement: CYP1B1 is on the minus strand). VCF-style: chr2-38075072-G-T. GRCh37 (hg19) VCF-style: chr2-38302215-G-T.
Other names: short protein forms A106D.
Identifiers: ClinVar variation 2577219 (VCV002577219.7), dbSNP rs779730090, ClinGen allele CA1620059.

ClinVar aggregate classification (germline): Pathogenic. Review status: reviewed by expert panel (3 of 4 stars). 5 submissions from 5 submitters: Pathogenic (1). 4 of the submissions do not count toward it. Last evaluated 2025-11-19.

Conditions:
Anterior segment dysgenesis 6 (ASGD6). Also called: Anterior segment dysgenesis 6, multiple subtypes. Identifiers: MedGen C4310623, MONDO:0015016, OMIM 617315.
Congenital glaucoma. Identifiers: MedGen C0020302, MONDO:0020366.
CYP1B1-related glaucoma with or without anterior segment dysgenesis. Identifiers: MedGen CN375931, MONDO:0800472.
Glaucoma 3A. Also called: Glaucoma 3, primary congenital, A. Identifiers: Orphanet 98976, Orphanet 98977, MedGen C1856439, MONDO:0009277, OMIM 231300.
Primary congenital glaucoma. Also called: Primary congenital glaucoma (disease). Identifiers: MedGen C1533041, MONDO:0000365, HP:0008007.

Allele frequency attached by ClinVar (database versions not stated): gnomAD 0.00001; TOPMed 0.00001.
gnomAD v4.1: 17 of 1,583,566 alleles (0.0011%); highest among the groups gnomAD compares: Admixed American, 0.0017%; no homozygotes.

Submissions (5):

ClinGen Glaucoma Variant Curation Expert Panel
Classification: Pathogenic for CYP1B1-related glaucoma with or without anterior segment dysgenesis. Last evaluated: 2025-11-19. Review status: reviewed by expert panel. Criteria: ClinGen CYP1B1 ACMG Specifications V1 Approved. Collection method: curation. Allele origin: germline. Inheritance: Autosomal recessive inheritance.
Comment: The c.317C>A variant in CYP1B1 is a missense variant predicted to cause substitution of Alanine by Aspartic Acid at amino acid 106 (p.Ala106Asp). The highest minor allele frequency of this variant was in the Admixed American genetic ancestry group of gnomAD (v4.1.0) = 0.00001717 (1 allele out of 58,242), which met the ≤ 0.0005 threshold set for PM2_Supporting in a genetic ancestry group of at least 2,000 alleles. The REVEL score = 0.847, which was within the 0.773-0.931 range for PP3_Moderate, predicting a damaging effect on CYP1B1 function. PS3_Supporting was not applied, as although the OddsPath threshold was met (> 2.1), the threshold for abnormal impact on protein function in the assay could not be determined (PMID: 27060699). 2 affected segregations with a CYP1B1-related phenotype and 2 unaffected segregations have been reported (PMIDs: 38450436, 23218701), which fulfilled PP1_Moderate. This variant has been identified in 6 individuals with a CYP1B1-related phenotype. These individuals are compound heterozygous for the variant and a pathogenic or likely pathogenic variant (2 confirmed in trans and 4 with phase unknown) (PMIDs: 25952714, 38450436, 35170016, 23218701, 19234632). Total proband points = 4, meeting PM3_Very strong. There were more cases published than presented here. In summary, this variant met the criteria to receive a score of 13 and to be classified as pathogenic (pathogenic classification ≥ 10, adapted from PMID: 32720330) for CYP1B1-related glaucoma with or without anterior segment dysgenesis (ASD) based on the ACMG/AMP criteria met, as specified by the ClinGen Glaucoma VCEP (v1.0, 06.11.2025): PM3_Very-strong, PP1_Moderate, PP3_Moderate, PM2_Supporting

Fulgent Genetics
Classification: Likely pathogenic for Glaucoma 3A; Anterior segment dysgenesis 6. Last evaluated: 2023-12-21. Review status: criteria provided, single submitter. Criteria: ACMG Guidelines, 2015. Collection method: clinical testing. Allele origin: germline. Not counted in ClinVar's aggregate classification.

Baylor Genetics
Classification: Pathogenic for Anterior segment dysgenesis 6. Last evaluated: 2023-12-10. Review status: criteria provided, single submitter. Criteria: ACMG Guidelines, 2015. Collection method: clinical testing. Allele origin: unknown. Not counted in ClinVar's aggregate classification.

Labcorp Genetics (formerly Invitae), Labcorp
Classification: Pathogenic for Congenital glaucoma. Last evaluated: 2023-10-28. Review status: criteria provided, single submitter. Criteria: Invitae Variant Classification Sherloc (09022015). Collection method: clinical testing. Allele origin: germline. Not counted in ClinVar's aggregate classification.
Comment: This sequence change replaces alanine, which is neutral and non-polar, with aspartic acid, which is acidic and polar, at codon 106 of the CYP1B1 protein (p.Ala106Asp). The frequency data for this variant in the population databases is considered unreliable, as metrics indicate poor data quality at this position in the gnomAD database. This missense change has been observed in individual(s) with primary congenital glaucoma (PMID: 19234632, 21815720, 23218701, 25952714). In at least one individual the data is consistent with being in trans (on the opposite chromosome) from a pathogenic variant. ClinVar contains an entry for this variant (Variation ID: 2577219). Advanced modeling of protein sequence and biophysical properties (such as structural, functional, and spatial information, amino acid conservation, physicochemical variation, residue mobility, and thermodynamic stability) has been performed at Invitae for this missense variant, however the output from this modeling did not meet the statistical confidence thresholds required to predict the impact of this variant on CYP1B1 protein function. Experimental studies have shown that this missense change affects CYP1B1 function (PMID: 27060699). For these reasons, this variant has been classified as Pathogenic.

Women's Health and Genetics/Laboratory Corporation of America, LabCorp
Classification: Pathogenic for Primary congenital glaucoma. Last evaluated: 2023-07-26. Review status: criteria provided, single submitter. Criteria: LabCorp Variant Classification Summary - May 2015. Collection method: clinical testing. Allele origin: germline. Not counted in ClinVar's aggregate classification.
Comment: Variant summary: CYP1B1 c.317C>A (p.Ala106Asp) results in a non-conservative amino acid change in the encoded protein sequence. Five of five in-silico tools predict a damaging effect of the variant on protein function. The variant allele was found at a frequency of 2e-05 in 196722 control chromosomes. c.317C>A has been reported in the literature in multiple compound heterozygous individuals affected with Primary Congenital Glaucoma (e.g., Lim_2013, Campos-Mollo_2019, Chesnau_2022, Cardoso_2015). These data indicate that the variant is very likely to be associated with disease. However, the variant was also identified in at least one compound heterozygous individual who was unaffected, indicating the potential for reduced penetrance (Lim_2013). At least one publication reports experimental evidence evaluating an impact on protein function. Variant expression in human embryonic kidney 293-T (HEK-293T) cells demonstrated reduced enzymatic activity of less than or equal to 4% of that of the wild-type protein and decreased protein stability (Medina-Trillo_2016). The following publications have been ascertained in the context of this evaluation (PMID: 25836661, 19234632, 25952714, 35170016, 23218701, 27060699). No submitters have cited clinical-significance assessments for this variant to ClinVar after 2014. Based on the evidence outlined above, the variant was classified as pathogenic.

Literature cited by the submitters: PubMed 19234632 (cited by Labcorp Genetics (formerly Invitae), Labcorp and Women's Health and Genetics/Laboratory Corporation of America, LabCorp); PubMed 21815720 (cited by Labcorp Genetics (formerly Invitae), Labcorp); PubMed 23218701 (cited by Labcorp Genetics (formerly Invitae), Labcorp and Women's Health and Genetics/Laboratory Corporation of America, LabCorp); PubMed 25952714 (cited by Labcorp Genetics (formerly Invitae), Labcorp and Women's Health and Genetics/Laboratory Corporation of America, LabCorp); PubMed 27060699 (cited by Labcorp Genetics (formerly Invitae), Labcorp and Women's Health and Genetics/Laboratory Corporation of America, LabCorp); PubMed 35170016 (cited by Women's Health and Genetics/Laboratory Corporation of America, LabCorp).